The following is an entry in ClinVar:

ClinVar aggregate classification (germline): Uncertain significance (1 of 4 stars; one submission).

Submission:

GeneDx
Classification: Uncertain significance. Last evaluated: 2025-08-13. Review status: criteria provided, single submitter. Criteria: GeneDx Variant Classification Process June 2021. Collection method: clinical testing. Allele origin: germline. Affected: yes.
Comment: Not observed at significant frequency in large population cohorts (gnomAD); In silico analysis suggests that this missense variant does not alter protein structure/function; Has not been previously published as pathogenic or benign to our knowledge

NM_005422.4(TECTA):c.5278G>T (p.Val1760Leu)

Genes: TBCEL-TECTA (TBCEL-TECTA readthrough; plus strand), TECTA (tectorin alpha; plus strand). Cytogenetic location: 11q23.3.
Variant type: single nucleotide variant.
Coding change: c.5278G>T on transcript NM_005422.4 (MANE Select); coding-DNA position 5278, G replaced by T.
Protein change: p.Val1760Leu; replaces valine 1760 with leucine.
Molecular consequence: missense variant.
Genome position (GRCh38, 1-based): chr11:121,165,278, G>T. VCF-style: chr11-121165278-G-T. GRCh37 (hg19) VCF-style: chr11-121035987-G-T.
Other names: c.6220G>T, p.Val2074Leu (NM_001378761.1); short protein forms V2074L, V1760L.
Identifiers: ClinVar variation 4795520 (VCV004795520.1).